The following is an entry in ClinVar:

ClinVar aggregate classification (germline): Uncertain significance (1 of 4 stars; one submission).

Conditions:
Brugada syndrome 4 (BRGDA4). Identifiers: Orphanet 130, MedGen C2678477, MONDO:0012743, OMIM 611876.

gnomAD v4.1: 2 of 1,614,016 alleles (0.00012%); highest among the groups gnomAD compares: Non-Finnish European, 0.000085%; no homozygotes.

Submission:

Labcorp Genetics (formerly Invitae), Labcorp
Classification: Uncertain significance for Brugada syndrome 4. Last evaluated: 2025-11-17. Review status: criteria provided, single submitter. Criteria: Invitae Variant Classification Sherloc (09022015). Collection method: clinical testing. Allele origin: germline.
Comment: This sequence change replaces glutamine, which is neutral and polar, with glutamic acid, which is acidic and polar, at codon 445 of the CACNB2 protein (p.Gln445Glu). This variant is not present in population databases (gnomAD no frequency). This variant has not been reported in the literature in individuals affected with CACNB2-related conditions. Invitae Evidence Modeling of protein sequence and biophysical properties (such as structural, functional, and spatial information, amino acid conservation, physicochemical variation, residue mobility, and thermodynamic stability) indicates that this missense variant is not expected to disrupt CACNB2 protein function with a negative predictive value of 80%. In summary, the available evidence is currently insufficient to determine the role of this variant in disease. Therefore, it has been classified as a Variant of Uncertain Significance.

NM_201596.3(CACNB2):c.1495C>G (p.Gln499Glu)

Gene: CACNB2 (calcium voltage-gated channel auxiliary subunit beta 2; plus strand). Cytogenetic location: 10p12.31.
Variant type: single nucleotide variant.
Coding change: c.1495C>G on transcript NM_201596.3 (MANE Select); coding-DNA position 1495, C replaced by G.
Protein change: p.Gln499Glu; replaces glutamine 499 with glutamic acid.
Molecular consequence: missense variant.
Genome position (GRCh38, 1-based): chr10:18,539,236, C>G. VCF-style: chr10-18539236-C-G. GRCh37 (hg19) VCF-style: chr10-18828165-C-G.
Other names: c.1330C>G, p.Gln444Glu (NM_000724.4); c.1297C>G, p.Gln433Glu (NM_001167945.2); c.1216C>G, p.Gln406Glu (NM_001330060.2); c.1237C>G, p.Gln413Glu (NM_001410882.1); c.1351C>G, p.Gln451Glu (NM_201570.3); c.1411C>G, p.Gln471Glu (NM_201571.4); c.1339C>G, p.Gln447Glu (NM_201572.4); c.1333C>G, p.Gln445Glu (NM_201590.3); and 2 more; short protein forms Q406E, Q433E, Q475E, Q413E, Q447E, Q471E, Q444E, Q445E.
Identifiers: ClinVar variation 4705143 (VCV004705143.1).